The following is an entry in ClinVar:

NM_002204.4(ITGA3):c.1760G>T (p.Gly587Val)

Gene: ITGA3 (integrin subunit alpha 3; plus strand). Cytogenetic location: 17q21.33.
Variant type: single nucleotide variant.
Coding change: c.1760G>T on transcript NM_002204.4 (MANE Select); coding-DNA position 1760, G replaced by T.
Protein change: p.Gly587Val; replaces glycine 587 with valine.
Molecular consequence: missense variant.
Genome position (GRCh38, 1-based): chr17:50,076,411, G>T. VCF-style: chr17-50076411-G-T. GRCh37 (hg19) VCF-style: chr17-48153775-G-T.
Other names: p.Gly587Val; short protein forms G587V.
Identifiers: ClinVar variation 4542190 (VCV004542190.1).

ClinVar aggregate classification (germline): Uncertain significance (1 of 4 stars; one submission).

Submission:

Mayo Clinic Laboratories, Mayo Clinic
Classification: Uncertain significance. Last evaluated: 2025-05-19. Review status: criteria provided, single submitter. Criteria: ACMG Guidelines, 2015. Collection method: clinical testing. Allele origin: germline. Observed: 1 variant allele.
Comment: BP4, PM2_supporting